The following is an entry in ClinVar:

ClinVar aggregate classification (germline): Uncertain significance (1 of 4 stars; one submission).

Conditions:
Hereditary nonpolyposis colorectal neoplasms. Identifiers: MedGen C0009405, MeSH D003123.

Allele frequency attached by ClinVar (database versions not stated): gnomAD exomes below 0.00001.
gnomAD v4.1: 1 of 1,613,968 alleles (0.000062%); highest among the groups gnomAD compares: Non-Finnish European, 0.000085%; no homozygotes.

Submission:

Labcorp Genetics (formerly Invitae), Labcorp
Classification: Uncertain significance for Hereditary nonpolyposis colorectal neoplasms. Last evaluated: 2018-10-08. Review status: criteria provided, single submitter. Criteria: Invitae Variant Classification Sherloc (09022015). Collection method: clinical testing. Allele origin: germline.
Comment: This sequence change replaces valine with glutamic acid at codon 304 of the MSH6 protein (p.Val304Glu). The valine residue is weakly conserved and there is a moderate physicochemical difference between valine and glutamic acid. This variant is not present in population databases (ExAC no frequency). This variant has not been reported in the literature in individuals with MSH6-related disease. Algorithms developed to predict the effect of missense changes on protein structure and function (SIFT, PolyPhen-2, Align-GVGD) all suggest that this variant is likely to be tolerated, but these predictions have not been confirmed by published functional studies and their clinical significance is uncertain. In summary, the available evidence is currently insufficient to determine the role of this variant in disease. Therefore, it has been classified as a Variant of Uncertain Significance.

NM_000179.3(MSH6):c.911T>A (p.Val304Glu)

Gene: MSH6 (mutS homolog 6; plus strand). Cytogenetic location: 2p16.3.
Variant type: single nucleotide variant.
Coding change: c.911T>A on transcript NM_000179.3 (MANE Select); coding-DNA position 911, T replaced by A.
Protein change: p.Val304Glu; replaces valine 304 with glutamic acid.
Molecular consequence: missense variant.
Genome position (GRCh38, 1-based): chr2:47,798,894, T>A. VCF-style: chr2-47798894-T-A. GRCh37 (hg19) VCF-style: chr2-48026033-T-A.
Other names: c.521T>A, p.Val174Glu (NM_001281492.2); c.5T>A, p.Val2Glu (NM_001281493.2, NM_001281494.2); short protein forms V174E, V2E, V304E.
Identifiers: ClinVar variation 641774 (VCV000641774.9), dbSNP rs1481054050, ClinGen allele CA346740722.